The following is an entry in ClinVar:

ClinVar aggregate classification (germline): Likely pathogenic (1 of 4 stars; one submission).

Submission:

GeneDx
Classification: Likely pathogenic. Last evaluated: 2026-07-14. Review status: criteria provided, single submitter. Criteria: GeneDx Variant Classification Process June 2021. Collection method: clinical testing. Allele origin: germline.
Comment: Not observed at significant frequency in large population cohorts (gnomAD); In silico analysis supports that this missense variant has a deleterious effect on protein structure/function; Has not been previously published as pathogenic or benign to our knowledge

NM_001378418.1(TCF20):c.13C>T (p.Arg5Trp)

Gene: TCF20 (transcription factor 20; minus strand). Cytogenetic location: 22q13.2.
Variant type: single nucleotide variant.
Coding change: c.13C>T on transcript NM_001378418.1 (MANE Select); coding-DNA position 13, C replaced by T.
Protein change: p.Arg5Trp; replaces arginine 5 with tryptophan.
Molecular consequence: missense variant.
Genome position (GRCh38, 1-based): chr22:42,215,293, G>A on the plus strand (C>T on the coding strand, the complement: TCF20 is on the minus strand). VCF-style: chr22-42215293-G-A. GRCh37 (hg19) VCF-style: chr22-42611299-G-A.
Other names: c.13C>T, p.Arg5Trp (NM_005650.4, NM_181492.3); short protein forms R5W.
Identifiers: ClinVar variation 1878972 (VCV001878972.3), dbSNP rs1162522193, ClinGen allele CA411793910.